The following is an entry in ClinVar:

NM_001018005.2(TPM1):c.772+9T>G

Gene: TPM1 (tropomyosin 1; plus strand). Cytogenetic location: 15q22.2.
Variant type: single nucleotide variant.
Coding change: c.772+9T>G on transcript NM_001018005.2 (MANE Select); 9 bases into the intron after coding-DNA position 772, T replaced by G.
Molecular consequence: intron variant. On other transcripts: missense variant (3).
Genome position (GRCh38, 1-based): chr15:63,062,654, T>G. VCF-style: chr15-63062654-T-G. GRCh37 (hg19) VCF-style: chr15-63354853-T-G.
Other names: c.781T>G, p.Leu261Val (NM_001407325.1); c.673T>G, p.Leu225Val (NM_001407340.1, NM_001407341.1); c.898+9T>G (NM_001365778.1); c.772+9T>G (NM_001018020.2, NM_001018007.2, NM_001018006.2 and 6 more transcripts); c.664+9T>G (NM_001330351.2, NM_001330344.2, NM_001018008.2 and 5 more transcripts); short protein forms L225V, L261V.
Identifiers: ClinVar variation 1943273 (VCV001943273.5), dbSNP rs1339443753, ClinGen allele CA392724712.

ClinVar aggregate classification (germline): Uncertain significance (1 of 4 stars; one submission).

Conditions:
Hypertrophic cardiomyopathy. Also called: HYPERTROPHIC MYOCARDIOPATHY. Identifiers: Orphanet 217569, MedGen C0007194, MeSH D002312, MONDO:0005045, HP:0001639.

Submission:

Labcorp Genetics (formerly Invitae), Labcorp
Classification: Uncertain significance for Hypertrophic cardiomyopathy. Last evaluated: 2022-04-11. Review status: criteria provided, single submitter. Criteria: Invitae Variant Classification Sherloc (09022015). Collection method: clinical testing. Allele origin: germline.
Comment: In summary, the available evidence is currently insufficient to determine the role of this variant in disease. Therefore, it has been classified as a Variant of Uncertain Significance. Algorithms developed to predict the effect of sequence changes on RNA splicing suggest that this variant may create or strengthen a splice site. This variant has not been reported in the literature in individuals affected with TPM1-related conditions. This variant is not present in population databases (gnomAD no frequency). This sequence change falls in intron 8 of the TPM1 gene. It does not directly change the encoded amino acid sequence of the TPM1 protein.